The following is an entry in ClinVar:

ClinVar aggregate classification (germline): Uncertain significance. Review status: criteria provided, multiple submitters, no conflicts (2 of 4 stars). 2 submissions from 2 submitters: Uncertain significance (2). Last evaluated 2025-10-24.

Allele frequency attached by ClinVar (database versions not stated): gnomAD exomes below 0.00001.
gnomAD v4.1: 2 of 1,613,422 alleles (0.00012%); highest among the groups gnomAD compares: Admixed American, 0.0017%; no homozygotes.

Submissions (2):

Ambry Genetics
Classification: Uncertain significance. Last evaluated: 2025-10-24. Review status: criteria provided, single submitter. Criteria: Ambry Variant Classification Scheme 2023. Collection method: clinical testing. Allele origin: germline.

Labcorp Genetics (formerly Invitae), Labcorp
Classification: Uncertain significance. Last evaluated: 2025-08-12. Review status: criteria provided, single submitter. Criteria: Invitae Variant Classification Sherloc (09022015). Collection method: clinical testing. Allele origin: germline.
Comment: This sequence change replaces threonine, which is neutral and polar, with isoleucine, which is neutral and non-polar, at codon 122 of the POLE2 protein (p.Thr122Ile). This variant is not present in population databases (gnomAD no frequency). This variant has not been reported in the literature in individuals affected with POLE2-related conditions. ClinVar contains an entry for this variant (Variation ID: 1936686). An algorithm developed to predict the effect of missense changes on protein structure and function (PolyPhen-2) suggests that this variant is likely to be tolerated. In summary, the available evidence is currently insufficient to determine the role of this variant in disease. Therefore, it has been classified as a Variant of Uncertain Significance.

NM_002692.4(POLE2):c.365C>T (p.Thr122Ile)

Gene: POLE2 (DNA polymerase epsilon 2, accessory subunit; minus strand). Cytogenetic location: 14q21.3.
Variant type: single nucleotide variant.
Coding change: c.365C>T on transcript NM_002692.4 (MANE Select); coding-DNA position 365, C replaced by T.
Protein change: p.Thr122Ile; replaces threonine 122 with isoleucine.
Molecular consequence: missense variant.
Genome position (GRCh38, 1-based): chr14:49,674,175, G>A on the plus strand (C>T on the coding strand, the complement: POLE2 is on the minus strand). VCF-style: chr14-49674175-G-A. GRCh37 (hg19) VCF-style: chr14-50140893-G-A.
Other names: c.287C>T, p.Thr96Ile (NM_001197330.2); c.365C>T, p.Thr122Ile (NM_001197331.3, NM_001348384.2); c.134C>T, p.Thr45Ile (NM_001348385.2); c.365C>T (NM_002692.3); short protein forms T122I, T45I, T96I.
Identifiers: ClinVar variation 1936686 (VCV001936686.6), dbSNP rs897035611, ClinGen allele CA260659786.